The following is an entry in ClinVar:

NM_000069.3(CACNA1S):c.3287G>T (p.Arg1096Leu)

Gene: CACNA1S (calcium voltage-gated channel subunit alpha1 S; minus strand). Cytogenetic location: 1q32.1.
Variant type: single nucleotide variant.
Coding change: c.3287G>T on transcript NM_000069.3 (MANE Select); coding-DNA position 3287, G replaced by T.
Protein change: p.Arg1096Leu; replaces arginine 1096 with leucine.
Molecular consequence: missense variant.
Genome position (GRCh38, 1-based): chr1:201,060,785, C>A on the plus strand (G>T on the coding strand, the complement: CACNA1S is on the minus strand). VCF-style: chr1-201060785-C-A. GRCh37 (hg19) VCF-style: chr1-201029913-C-A.
Other names: short protein forms R1096L.
Identifiers: ClinVar variation 947466 (VCV000947466.13), dbSNP rs142102094, ClinGen allele CA344160994.
Genomic context (GRCh38, chr1:201,060,785, plus strand): 5'-GTGACAATGTACCACACCTGGTACTGGTATGGGTTTTTGGGAATGTAGCACCTCAGTGGG[C>A]GGGCCTTCAGGGCATACTGTACACATTGGCGCTGTGACACATACAACAGGACAGGTCAGC-3'
Protein context (NP_000060.2, residues 1086-1106): RQCVQYALKA[Arg1096Leu]PLRCYIPKNP

ClinVar aggregate classification (germline): Uncertain significance. Review status: criteria provided, multiple submitters, no conflicts (2 of 4 stars). 7 submissions from 4 submitters: Uncertain significance (7). Last evaluated 2023-10-24.

Conditions:
Congenital myopathy 18. Also called: DIHYDROPYRIDINE RECEPTOR CONGENITAL MYOPATHY; DHPR CONGENITAL MYOPATHY; Myopathy, congenital, due to dihydropyridine receptor defect. Identifiers: MedGen C5830283, MONDO:0859514, OMIM 620246.
Hypokalemic periodic paralysis, type 1. Also called: HypoPP; Hypokalemic Periodic Paralysis Type 1 (AD). Identifiers: Orphanet 681, MedGen C3714580, MONDO:0042979, OMIM 170400.
Malignant hyperthermia, susceptibility to, 5 (MHS5). Also called: CACNA1S-Related Malignant Hyperthermia Susceptibility. Identifiers: Orphanet 423, MedGen C1866077, MONDO:0011163, OMIM 601887.
Thyrotoxic periodic paralysis, susceptibility to, 1 (TTPP1). Identifiers: Orphanet 79102, MedGen C2749982, MONDO:0008570, OMIM 188580.

Submissions (7):

Women's Health and Genetics/Laboratory Corporation of America, LabCorp
Classification: Uncertain significance. Last evaluated: 2023-10-24. Review status: criteria provided, single submitter. Criteria: LabCorp Variant Classification Summary - May 2015. Collection method: clinical testing. Allele origin: germline.
Comment: Variant summary: CACNA1S c.3287G>T (p.Arg1096Leu) results in a non-conservative amino acid change in the encoded protein sequence. Five of five in-silico tools predict a damaging effect of the variant on protein function. The variant was absent in 251496 control chromosomes. The available data on variant occurrences in the general population are insufficient to allow any conclusion about variant significance. To our knowledge, no occurrence of c.3287G>T in individuals affected with Hypokalemic Periodic Paralysis and no experimental evidence demonstrating its impact on protein function have been reported. One submitter has cited clinical-significance assessments for this variant to ClinVar after 2014 and has classified the variant as uncertain significance. Based on the evidence outlined above, the variant was classified as uncertain significance.

GeneDx
Classification: Uncertain significance. Last evaluated: 2023-04-27. Review status: criteria provided, single submitter. Criteria: GeneDx Variant Classification Process June 2021. Collection method: clinical testing. Allele origin: germline. Affected: yes.
Comment: Not observed at significant frequency in large population cohorts (gnomAD); In silico analysis supports that this missense variant has a deleterious effect on protein structure/function; Has not been previously published as pathogenic or benign to our knowledge

Genome-Nilou Lab
Classification: Uncertain significance for Malignant hyperthermia, susceptibility to, 5. Last evaluated: 2023-04-11. Review status: criteria provided, single submitter. Criteria: ACMG Guidelines, 2015. Collection method: clinical testing. Allele origin: germline. Affected: no.

Genome-Nilou Lab
Classification: Uncertain significance for Thyrotoxic periodic paralysis, susceptibility to, 1. Last evaluated: 2023-04-11. Review status: criteria provided, single submitter. Criteria: ACMG Guidelines, 2015. Collection method: clinical testing. Allele origin: germline. Affected: no.

Genome-Nilou Lab
Classification: Uncertain significance for Congenital myopathy 18. Last evaluated: 2023-04-11. Review status: criteria provided, single submitter. Criteria: ACMG Guidelines, 2015. Collection method: clinical testing. Allele origin: germline. Affected: no.

Genome-Nilou Lab
Classification: Uncertain significance for Hypokalemic periodic paralysis, type 1. Last evaluated: 2023-04-11. Review status: criteria provided, single submitter. Criteria: ACMG Guidelines, 2015. Collection method: clinical testing. Allele origin: germline. Affected: no.

Labcorp Genetics (formerly Invitae), Labcorp
Classification: Uncertain significance for Hypokalemic periodic paralysis, type 1; Malignant hyperthermia, susceptibility to, 5. Last evaluated: 2019-10-19. Review status: criteria provided, single submitter. Criteria: Invitae Variant Classification Sherloc (09022015). Collection method: clinical testing. Allele origin: germline.
Comment: In summary, the available evidence is currently insufficient to determine the role of this variant in disease. Therefore, it has been classified as a Variant of Uncertain Significance. This sequence change replaces arginine with leucine at codon 1096 of the CACNA1S protein (p.Arg1096Leu). The arginine residue is highly conserved and there is a moderate physicochemical difference between arginine and leucine. This variant is not present in population databases (ExAC no frequency). This variant has not been reported in the literature in individuals with CACNA1S-related conditions. Algorithms developed to predict the effect of missense changes on protein structure and function (SIFT, PolyPhen-2, Align-GVGD) all suggest that this variant is likely to be disruptive, but these predictions have not been confirmed by published functional studies and their clinical significance is uncertain.